The following is an entry in ClinVar:

NM_003265.3(TLR3):c.968A>G (p.Asn323Ser)

Gene: TLR3 (toll like receptor 3; plus strand). Cytogenetic location: 4q35.1.
Variant type: single nucleotide variant.
Coding change: c.968A>G on transcript NM_003265.3 (MANE Select); coding-DNA position 968, A replaced by G.
Protein change: p.Asn323Ser; replaces asparagine 323 with serine.
Molecular consequence: missense variant.
Genome position (GRCh38, 1-based): chr4:186,082,654, A>G. VCF-style: chr4-186082654-A-G. GRCh37 (hg19) VCF-style: chr4-187003808-A-G.
Other names: short protein forms N323S.
Identifiers: ClinVar variation 2294537 (VCV002294537.4), dbSNP rs768661321, ClinGen allele CA3161336.

ClinVar aggregate classification (germline): Uncertain significance. Review status: criteria provided, multiple submitters, no conflicts (2 of 4 stars). 2 submissions from 2 submitters: Uncertain significance (2). Last evaluated 2025-08-07.

Conditions:
Encephalopathy, acute, infection-induced (herpes-specific), susceptibility to, 1. Also called: Herpes simplex encephalitis, susceptibility to, 1. Identifiers: Orphanet 1930, MedGen C2750180, MONDO:0024563, OMIM 610551.

Allele frequency attached by ClinVar (database versions not stated): TOPMed 0.00001; ExAC 0.00002; gnomAD 0.00003.
gnomAD v4.1: 35 of 1,613,872 alleles (0.0022%); highest among the groups gnomAD compares: Admixed American, 0.0033%; no homozygotes.

Submissions (2):

Ambry Genetics
Classification: Uncertain significance. Last evaluated: 2025-08-07. Review status: criteria provided, single submitter. Criteria: Ambry Variant Classification Scheme 2023. Collection method: clinical testing. Allele origin: germline.

Labcorp Genetics (formerly Invitae), Labcorp
Classification: Uncertain significance for Encephalopathy, acute, infection-induced (herpes-specific), susceptibility to, 1. Last evaluated: 2025-01-30. Review status: criteria provided, single submitter. Criteria: Invitae Variant Classification Sherloc (09022015). Collection method: clinical testing. Allele origin: germline.
Comment: This sequence change replaces asparagine, which is neutral and polar, with serine, which is neutral and polar, at codon 323 of the TLR3 protein (p.Asn323Ser). This variant is present in population databases (rs768661321, gnomAD 0.004%). This variant has not been reported in the literature in individuals affected with TLR3-related conditions. ClinVar contains an entry for this variant (Variation ID: 2294537). An algorithm developed to predict the effect of missense changes on protein structure and function outputs the following: PolyPhen-2: "Benign". The serine amino acid residue is found in multiple mammalian species, which suggests that this missense change does not adversely affect protein function. In summary, the available evidence is currently insufficient to determine the role of this variant in disease. Therefore, it has been classified as a Variant of Uncertain Significance.